The following is an entry in ClinVar:

ClinVar aggregate classification (germline): Uncertain significance (1 of 4 stars; one submission).

Conditions:
Oligodontia-cancer predisposition syndrome. Also called: TOOTH AGENESIS-COLORECTAL CANCER SYNDROME. Identifiers: Orphanet 300576, MedGen C1837750, MONDO:0012075, OMIM 608615. Disease mechanism: loss of function.

Submission:

Labcorp Genetics (formerly Invitae), Labcorp
Classification: Uncertain significance for Oligodontia-cancer predisposition syndrome. Last evaluated: 2022-10-29. Review status: criteria provided, single submitter. Criteria: Invitae Variant Classification Sherloc (09022015). Collection method: clinical testing. Allele origin: germline.
Comment: In summary, the available evidence is currently insufficient to determine the role of this variant in disease. Therefore, it has been classified as a Variant of Uncertain Significance. Algorithms developed to predict the effect of missense changes on protein structure and function (SIFT, PolyPhen-2, Align-GVGD) all suggest that this variant is likely to be tolerated. This variant has not been reported in the literature in individuals affected with AXIN2-related conditions. This variant is not present in population databases (gnomAD no frequency). This sequence change replaces alanine, which is neutral and non-polar, with proline, which is neutral and non-polar, at codon 496 of the AXIN2 protein (p.Ala496Pro).

NM_004655.4(AXIN2):c.1486G>C (p.Ala496Pro)

Gene: AXIN2 (axin 2; minus strand). Cytogenetic location: 17q24.1.
Variant type: single nucleotide variant.
Coding change: c.1486G>C on transcript NM_004655.4 (MANE Select); coding-DNA position 1486, G replaced by C.
Protein change: p.Ala496Pro; replaces alanine 496 with proline.
Molecular consequence: missense variant.
Genome position (GRCh38, 1-based): chr17:65,537,550, C>G on the plus strand (G>C on the coding strand, the complement: AXIN2 is on the minus strand). VCF-style: chr17-65537550-C-G. GRCh37 (hg19) VCF-style: chr17-63533668-C-G.
Other names: c.1486G>C, p.Ala496Pro (NM_001363813.1); short protein forms A496P.
Identifiers: ClinVar variation 2810496 (VCV002810496.3), dbSNP rs773033390, ClinGen allele CA400677412.
Genomic context (GRCh38, chr17:65,537,550, plus strand): 5'-GGTGGACATGCTTCGTCGTCTGCTTGGTCACAAAGCCTTTGCCCCCGAGGAGGGGGCAGG[C>G]GCCCGGCGAGGCGGCCGCGGGAGGCAGCTTGCCACCGGGCGGGAGCAGGGAGTGGTACTG-3'
Protein context (NP_004646.3, residues 486-506): KLPPAAASPG[Ala496Pro]CPLLGGKGFV